The following is an entry in ClinVar:

NM_182919.4(TICAM1):c.1253C>T (p.Ala418Val)

Gene: TICAM1 (TIR domain containing adaptor molecule 1; minus strand). Cytogenetic location: 19p13.3.
Variant type: single nucleotide variant.
Coding change: c.1253C>T on transcript NM_182919.4 (MANE Select); coding-DNA position 1253, C replaced by T.
Protein change: p.Ala418Val; replaces alanine 418 with valine.
Molecular consequence: missense variant.
Genome position (GRCh38, 1-based): chr19:4,817,125, G>A on the plus strand (C>T on the coding strand, the complement: TICAM1 is on the minus strand). VCF-style: chr19-4817125-G-A. GRCh37 (hg19) VCF-style: chr19-4817137-G-A.
Other names: c.1211C>T, p.Ala404Val (NM_001385678.1); c.1118C>T, p.Ala373Val (NM_001385679.1); c.611C>T, p.Ala204Val (NM_001385680.1); short protein forms A373V, A418V, A404V, A204V.
Identifiers: ClinVar variation 1896518 (VCV001896518.5), dbSNP rs770414344, ClinGen allele CA9105168.

ClinVar aggregate classification (germline): Uncertain significance (1 of 4 stars; one submission).

Conditions:
Encephalopathy, acute, infection-induced (herpes-specific), susceptibility to, 6. Also called: Herpes simplex encephalitis, susceptibility to, 4. Identifiers: Orphanet 1930, MedGen C3553869, MONDO:0013921, OMIM 614850.

Allele frequency attached by ClinVar (database versions not stated): gnomAD exomes 0.00001; ExAC 0.00001.

Submission:

Labcorp Genetics (formerly Invitae), Labcorp
Classification: Uncertain significance for Encephalopathy, acute, infection-induced (herpes-specific), susceptibility to, 6. Last evaluated: 2022-06-20. Review status: criteria provided, single submitter. Criteria: Invitae Variant Classification Sherloc (09022015). Collection method: clinical testing. Allele origin: germline.
Comment: This sequence change replaces alanine, which is neutral and non-polar, with valine, which is neutral and non-polar, at codon 418 of the TICAM1 protein (p.Ala418Val). This variant is present in population databases (rs770414344, gnomAD 0.002%). This variant has not been reported in the literature in individuals affected with TICAM1-related conditions. Algorithms developed to predict the effect of missense changes on protein structure and function (SIFT, PolyPhen-2, Align-GVGD) all suggest that this variant is likely to be tolerated. In summary, the available evidence is currently insufficient to determine the role of this variant in disease. Therefore, it has been classified as a Variant of Uncertain Significance.